The following is an entry in ClinVar:

NM_000059.4(BRCA2):c.8557A>T (p.Lys2853Ter)

Gene: BRCA2 (BRCA2 DNA repair associated; plus strand). Cytogenetic location: 13q13.1.
Variant type: single nucleotide variant.
Coding change: c.8557A>T on transcript NM_000059.4 (MANE Select); coding-DNA position 8557, A replaced by T.
Protein change: p.Lys2853Ter; replaces lysine 2853 with a stop codon.
Molecular consequence: nonsense.
Genome position (GRCh38, 1-based): chr13:32,371,025, A>T. VCF-style: chr13-32371025-A-T. GRCh37 (hg19) VCF-style: chr13-32945162-A-T.
Other names: short protein forms K2853*.
Identifiers: ClinVar variation 372573 (VCV000372573.26), dbSNP rs1057517865, ClinGen allele CA16042861.

ClinVar aggregate classification (germline): Pathogenic. Review status: reviewed by expert panel (3 of 4 stars). 6 submissions from 6 submitters: Pathogenic (1). 5 of the submissions do not count toward it. Last evaluated 2017-12-15.

Conditions:
Hereditary cancer-predisposing syndrome. Also called: Tumor predisposition; Hereditary Cancer Syndrome; Hereditary neoplastic syndrome; Neoplastic Syndromes, Hereditary. Identifiers: Orphanet 140162, MedGen C0027672, MeSH D009386, MONDO:0015356.
Breast-ovarian cancer, familial, susceptibility to, 2 (BROVCA2). Also called: BRCA2 Hereditary Breast and Ovarian Cancer. Identifiers: Orphanet 145, MedGen C2675520, MONDO:0012933, OMIM 612555. Disease mechanism: loss of function.
Hereditary breast ovarian cancer syndrome. Also called: Hereditary breast and ovarian cancer; Hereditary breast and ovarian cancer syndrome; Hereditary breast and/or ovarian cancer syndrome; Hereditary breast and ovarian cancer syndrome (HBOC); BRCA1- and BRCA2-Associated Hereditary Breast and Ovarian Cancer; Breast and ovarian cancer. Identifiers: Orphanet 145, MedGen C0677776, MeSH D061325, MONDO:0003582. Disease mechanism: loss of function.
Breast-ovarian cancer, familial, susceptibility to, 1 (BROVCA1). Also called: BRCA1 Hereditary Breast and Ovarian Cancer; OVARIAN CANCER, SUSCEPTIBILITY TO. Identifiers: Orphanet 145, MedGen C2676676, MONDO:0011450, OMIM 604370. Disease mechanism: loss of function.

Submissions (6):

Evidence-based Network for the Interpretation of Germline Mutant Alleles (ENIGMA)
Classification: Pathogenic for Breast-ovarian cancer, familial, susceptibility to, 2. Last evaluated: 2017-12-15. Review status: reviewed by expert panel. Criteria: ENIGMA BRCA1/2 Classification Criteria (2017-06-29). Collection method: curation. Allele origin: germline. Study: ENIGMA.
Comment: Variant allele predicted to encode a truncated non-functional protein.

Labcorp Genetics (formerly Invitae), Labcorp
Classification: Pathogenic for Hereditary breast ovarian cancer syndrome. Last evaluated: 2025-11-09. Review status: criteria provided, single submitter. Criteria: Invitae Variant Classification Sherloc (09022015). Collection method: clinical testing. Allele origin: germline. Not counted in ClinVar's aggregate classification.
Comment: This sequence change creates a premature translational stop signal (p.Lys2853*) in the BRCA2 gene. It is expected to result in an absent or disrupted protein product. Loss-of-function variants in BRCA2 are known to be pathogenic (PMID: 20104584). This variant is not present in population databases (gnomAD no frequency). This premature translational stop signal has been observed in individual(s) with a personal or family history of breast and/or ovarian cancer (PMID: 34284872). ClinVar contains an entry for this variant (Variation ID: 372573). For these reasons, this variant has been classified as Pathogenic.

Ambry Genetics
Classification: Pathogenic for Hereditary cancer-predisposing syndrome. Last evaluated: 2025-09-16. Review status: criteria provided, single submitter. Criteria: Ambry Variant Classification Scheme 2023. Collection method: clinical testing. Allele origin: germline. Not counted in ClinVar's aggregate classification.
Comment: The p.K2853* pathogenic mutation (also known as c.8557A>T), located in coding exon 19 of the BRCA2 gene, results from an A to T substitution at nucleotide position 8557. This changes the amino acid from a lysine to a stop codon within coding exon 19. Two saturation genome editing-based studies, including a haploid cell-survival assay and a humanized mouse embryonic stem cell line assay of drug response and survival, demonstrate that this nucleotide substitution is non-functional(Huang H et al. Nature. 2025 Feb;638(8050):528-537; Sahu S et al. Nature. 2025 Feb;638(8050):538-545). This variant is considered to be rare based on population cohorts in the Genome Aggregation Database (gnomAD). This alteration is expected to result in loss of function by premature protein truncation or nonsense-mediated mRNA decay. As such, this alteration is interpreted as a disease-causing mutation.

CeGaT Center for Human Genetics Tuebingen
Classification: Pathogenic. Last evaluated: 2024-01-01. Review status: criteria provided, single submitter. Criteria: CeGaT Center For Human Genetics Tuebingen Variant Classification Criteria Version 2. Collection method: clinical testing. Allele origin: germline. Affected: yes. Observed: 1 variant allele. Not counted in ClinVar's aggregate classification.
Comment: BRCA2: PVS1, PM2, PS4:Supporting

Department of Molecular Diagnostics, Institute of Oncology Ljubljana
Classification: Pathogenic for Breast-ovarian cancer, familial, susceptibility to, 1. Last evaluated: 2020-04-02. Review status: criteria provided, single submitter. Criteria: ACMG Guidelines, 2015. Collection method: clinical testing. Allele origin: germline. Affected: yes. Not counted in ClinVar's aggregate classification.

GeneDx
Classification: Pathogenic. Last evaluated: 2015-03-06. Review status: criteria provided, single submitter. Criteria: GeneDx Variant Classification (06012015). Collection method: clinical testing. Allele origin: germline. Affected: yes. Not counted in ClinVar's aggregate classification.
Comment: This pathogenic variant is denoted BRCA2 c.8557A>T at the cDNA level and p.Lys2853Ter (K2853X) at the protein level. The substitution creates a nonsense variant, which changes a Lysine to a premature stop codon (AAA>TAA), and is predicted to cause loss of normal protein function through either protein truncation or nonsense-mediated mRNA decay. Although this variant has not, to our knowledge, been reported in the literature, it is considered pathogenic.

Literature cited by the submitters: PubMed 20104584 (cited by Labcorp Genetics (formerly Invitae), Labcorp); PubMed 34284872 (cited by Labcorp Genetics (formerly Invitae), Labcorp).